The following is an entry in ClinVar:

NM_007186.6(CEP250):c.327G>A (p.Arg109=)

Gene: CEP250 (centrosomal protein 250; plus strand). Cytogenetic location: 20q11.22.
Variant type: single nucleotide variant.
Coding change: c.327G>A on transcript NM_007186.6 (MANE Select); coding-DNA position 327, G replaced by A.
Protein change: p.Arg109=; no amino-acid change (arginine 109 retained).
Molecular consequence: synonymous variant. On other transcripts: 5 prime UTR variant (1).
Genome position (GRCh38, 1-based): chr20:35,466,039, G>A. VCF-style: chr20-35466039-G-A. GRCh37 (hg19) VCF-style: chr20-34053864-G-A.
Other names: c.-1573G>A (NM_001318219.1).
Identifiers: ClinVar variation 1001793 (VCV001001793.9), dbSNP rs753546802, ClinGen allele CA510482528.

ClinVar aggregate classification (germline): Uncertain significance (1 of 4 stars; one submission).

gnomAD v4.1: 1 of 1,614,180 alleles (0.000062%); highest among the groups gnomAD compares: Non-Finnish European, 0.000085%; no homozygotes.

Submission:

Labcorp Genetics (formerly Invitae), Labcorp
Classification: Uncertain significance. Last evaluated: 2020-01-03. Review status: criteria provided, single submitter. Criteria: Invitae Variant Classification Sherloc (09022015). Collection method: clinical testing. Allele origin: germline.
Comment: In summary, the available evidence is currently insufficient to determine the role of this variant in disease. Therefore, it has been classified as a Variant of Uncertain Significance. Algorithms developed to predict the effect of sequence changes on RNA splicing suggest that this variant may create or strengthen a splice site, but this prediction has not been confirmed by published transcriptional studies. This variant has not been reported in the literature in individuals with CEP250-related conditions. This variant is not present in population databases (ExAC no frequency). This sequence change affects codon 109 of the CEP250 mRNA. It is a 'silent' change, meaning that it does not change the encoded amino acid sequence of the CEP250 protein.